The following is an entry in ClinVar:

NM_006329.4(FBLN5):c.698A>C (p.Asp233Ala)

Gene: FBLN5 (fibulin 5; minus strand). Cytogenetic location: 14q32.12.
Variant type: single nucleotide variant.
Coding change: c.698A>C on transcript NM_006329.4 (MANE Select); coding-DNA position 698, A replaced by C.
Protein change: p.Asp233Ala; replaces aspartic acid 233 with alanine.
Molecular consequence: missense variant.
Genome position (GRCh38, 1-based): chr14:91,887,234, T>G on the plus strand (A>C on the coding strand, the complement: FBLN5 is on the minus strand). VCF-style: chr14-91887234-T-G. GRCh37 (hg19) VCF-style: chr14-92353578-T-G.
Other names: c.821A>C, p.Asp274Ala (NM_001384158.1); c.749A>C, p.Asp250Ala (NM_001384159.1); c.698A>C, p.Asp233Ala (NM_001384160.1); c.530A>C, p.Asp177Ala (NM_001384161.1, NM_001384162.1); short protein forms D233A, D177A, D250A, D274A.
Identifiers: ClinVar variation 1983470 (VCV001983470.4), dbSNP rs748615989, ClinGen allele CA7312759.

ClinVar aggregate classification (germline): Uncertain significance (1 of 4 stars; one submission).

Allele frequency attached by ClinVar (database versions not stated): gnomAD 0.00001; gnomAD exomes 0.00004; ExAC 0.00010.
gnomAD v4.1: 54 of 1,613,002 alleles (0.0033%); highest among the groups gnomAD compares: South Asian, 0.058%; no homozygotes.

Submission:

Labcorp Genetics (formerly Invitae), Labcorp
Classification: Uncertain significance. Last evaluated: 2024-11-27. Review status: criteria provided, single submitter. Criteria: Invitae Variant Classification Sherloc (09022015). Collection method: clinical testing. Allele origin: germline.
Comment: This sequence change replaces aspartic acid, which is acidic and polar, with alanine, which is neutral and non-polar, at codon 233 of the FBLN5 protein (p.Asp233Ala). This variant is present in population databases (rs748615989, gnomAD 0.06%). This variant has not been reported in the literature in individuals affected with FBLN5-related conditions. ClinVar contains an entry for this variant (Variation ID: 1983470). Invitae Evidence Modeling of protein sequence and biophysical properties (such as structural, functional, and spatial information, amino acid conservation, physicochemical variation, residue mobility, and thermodynamic stability) indicates that this missense variant is not expected to disrupt FBLN5 protein function with a negative predictive value of 80%. In summary, the available evidence is currently insufficient to determine the role of this variant in disease. Therefore, it has been classified as a Variant of Uncertain Significance.